The following is an entry in ClinVar:

ClinVar aggregate classification (germline): Conflicting classifications of pathogenicity. Review status: criteria provided, conflicting classifications (1 of 4 stars). 2 submissions from 2 submitters: Uncertain significance (1); Likely benign (1). Last evaluated 2023-03-23.

Conditions:
Hereditary cancer-predisposing syndrome. Also called: Hereditary Cancer Syndrome; Neoplastic Syndromes, Hereditary; Tumor predisposition; Hereditary neoplastic syndrome. Identifiers: Orphanet 140162, MedGen C0027672, MeSH D009386, MONDO:0015356.

Submissions (2):

University of Washington Department of Laboratory Medicine, University of Washington
Classification: Likely benign for Hereditary cancer-predisposing syndrome. Last evaluated: 2023-03-23. Review status: criteria provided, single submitter. Criteria: Dines et al. (Genet Med. 2020). Collection method: curation. Allele origin: germline.
Comment: Missense variant in a coldspot region where missense variants are very unlikely to be pathogenic (PMID:31911673).

BRCA2 exon 11 coldspot. Reclassification based on statistical prior probability.

Ambry Genetics
Classification: Uncertain significance for Hereditary cancer-predisposing syndrome. Last evaluated: 2019-09-17. Review status: criteria provided, single submitter. Criteria: Ambry Variant Classification Scheme 2023. Collection method: clinical testing. Allele origin: germline.
Comment: The p.K1590N variant (also known as c.4770G>T), located in coding exon 10 of the BRCA2 gene, results from a G to T substitution at nucleotide position 4770. The lysine at codon 1590 is replaced by asparagine, an amino acid with similar properties. This amino acid position is not well conserved in available vertebrate species. In addition, this alteration is predicted to be tolerated by in silico analysis. Since supporting evidence is limited at this time, the clinical significance of this alteration remains unclear.

NM_000059.4(BRCA2):c.4770G>T (p.Lys1590Asn)

Gene: BRCA2 (BRCA2 DNA repair associated; plus strand). Cytogenetic location: 13q13.1.
Variant type: single nucleotide variant.
Coding change: c.4770G>T on transcript NM_000059.4 (MANE Select); coding-DNA position 4770, G replaced by T.
Protein change: p.Lys1590Asn; replaces lysine 1590 with asparagine.
Molecular consequence: missense variant.
Genome position (GRCh38, 1-based): chr13:32,339,125, G>T. VCF-style: chr13-32339125-G-T. GRCh37 (hg19) VCF-style: chr13-32913262-G-T.
Other names: c.4770G>T, p.Lys1590Asn (NM_001406719.1, NM_001406720.1); short protein forms K1590N.
Identifiers: ClinVar variation 1742975 (VCV001742975.4), dbSNP rs2137510051, ClinGen allele CA387783165.